The following is an entry in ClinVar:

NM_000081.4(LYST):c.9614T>G (p.Val3205Gly)

Gene: LYST (lysosomal trafficking regulator; minus strand). Cytogenetic location: 1q42.3.
Variant type: single nucleotide variant.
Coding change: c.9614T>G on transcript NM_000081.4 (MANE Select); coding-DNA position 9614, T replaced by G.
Protein change: p.Val3205Gly; replaces valine 3205 with glycine.
Molecular consequence: missense variant.
Genome position (GRCh38, 1-based): chr1:235,716,725, A>C on the plus strand (T>G on the coding strand, the complement: LYST is on the minus strand). VCF-style: chr1-235716725-A-C. GRCh37 (hg19) VCF-style: chr1-235880025-A-C.
Other names: c.9614T>G, p.Val3205Gly (NM_001301365.1); short protein forms V3205G.
Identifiers: ClinVar variation 1405924 (VCV001405924.5), dbSNP rs781070390, ClinGen allele CA1465549.
Genomic context (GRCh38, chr1:235,716,725, plus strand): 5'-AAACACAATTTTTCATTTAATAAAGTACGAGTAAAAACAAAAGCTACCTTGTATGTGTCC[A>C]CATAACGATCTTCTTTTTCTTTATACTGAACAGCTATAGGTTTAGAGAGATTTCTGCAAG-3'
Protein context (NP_000072.2, residues 3195-3215): VQYKEKEDRY[Val3205Gly]DTYKYLEEEY

ClinVar aggregate classification (germline): Uncertain significance (1 of 4 stars; one submission).

Conditions:
Chédiak-Higashi syndrome (CHS). Also called: Chediak-Higashi Syndrome. Identifiers: Orphanet 167, MedGen C0007965, MONDO:0008963, OMIM 214500.

Allele frequency attached by ClinVar (database versions not stated): gnomAD exomes below 0.00001; TOPMed below 0.00001; ExAC 0.00001.
gnomAD v4.1: 6 of 1,593,232 alleles (0.00038%); highest among the groups gnomAD compares: Non-Finnish European, 0.00052%; no homozygotes.

Submission:

Labcorp Genetics (formerly Invitae), Labcorp
Classification: Uncertain significance for Chédiak-Higashi syndrome. Last evaluated: 2021-08-27. Review status: criteria provided, single submitter. Criteria: Invitae Variant Classification Sherloc (09022015). Collection method: clinical testing. Allele origin: germline.
Comment: This sequence change replaces valine with glycine at codon 3205 of the LYST protein (p.Val3205Gly). The valine residue is moderately conserved and there is a moderate physicochemical difference between valine and glycine. This variant is present in population databases (rs781070390, ExAC 0.002%). This variant has not been reported in the literature in individuals affected with LYST-related conditions. Algorithms developed to predict the effect of missense changes on protein structure and function are either unavailable or do not agree on the potential impact of this missense change (SIFT: "Deleterious"; PolyPhen-2: "Probably Damaging"; Align-GVGD: "Class C0"). In summary, the available evidence is currently insufficient to determine the role of this variant in disease. Therefore, it has been classified as a Variant of Uncertain Significance.